The following is an entry in ClinVar:

NM_001347721.2(DYRK1A):c.640C>T (p.His214Tyr)

Gene: DYRK1A (dual specificity tyrosine phosphorylation regulated kinase 1A; plus strand). Cytogenetic location: 21q22.13.
Variant type: single nucleotide variant.
Coding change: c.640C>T on transcript NM_001347721.2 (MANE Select); coding-DNA position 640, C replaced by T.
Protein change: p.His214Tyr; replaces histidine 214 with tyrosine.
Molecular consequence: missense variant.
Genome position (GRCh38, 1-based): chr21:37,490,177, C>T. VCF-style: chr21-37490177-C-T. GRCh37 (hg19) VCF-style: chr21-38862479-C-T.
Other names: c.640C>T, p.His214Tyr (NM_001347722.2, NM_130436.2); c.553C>T, p.His185Tyr (NM_001347723.2); c.667C>T, p.His223Tyr (NM_001396.5, NM_101395.2, NM_130438.2); short protein forms H185Y, H214Y, H223Y.
Identifiers: ClinVar variation 3681073 (VCV003681073.2).

ClinVar aggregate classification (germline): Uncertain significance (1 of 4 stars; one submission).

Conditions:
DYRK1A-related intellectual disability syndrome (MRD7). Also called: DYRK1A Syndrome; Intellectual developmental disorder, autosomal dominant 7. Identifiers: Orphanet 464306, MedGen C5568143, MONDO:0013578, OMIM 614104.

Submission:

Labcorp Genetics (formerly Invitae), Labcorp
Classification: Uncertain significance for DYRK1A-related intellectual disability syndrome. Last evaluated: 2024-11-13. Review status: criteria provided, single submitter. Criteria: Invitae Variant Classification Sherloc (09022015). Collection method: clinical testing. Allele origin: germline.
Comment: This sequence change replaces histidine, which is basic and polar, with tyrosine, which is neutral and polar, at codon 223 of the DYRK1A protein (p.His223Tyr). This variant is not present in population databases (gnomAD no frequency). This variant has not been reported in the literature in individuals affected with DYRK1A-related conditions. An algorithm developed to predict the effect of missense changes on protein structure and function (PolyPhen-2) suggests that this variant is likely to be disruptive. In summary, the available evidence is currently insufficient to determine the role of this variant in disease. Therefore, it has been classified as a Variant of Uncertain Significance.